The following is an entry in ClinVar:

ClinVar aggregate classification (germline): Likely benign. Review status: criteria provided, single submitter (1 of 4 stars). 2 submissions from 2 submitters: Likely benign (1). 1 of the submissions does not count toward it. Last evaluated 2026-01-13.

Conditions:
PFN1-related disorder. Also called: PFN1-related condition.

Allele frequency attached by ClinVar (database versions not stated): TOPMed 0.00006; ExAC 0.00003; gnomAD 0.00003; gnomAD exomes 0.00006 and 0.00007; ESP Exome Variant Server 0.00015.
gnomAD v4.1: 99 of 1,608,854 alleles (0.0062%); highest among the groups gnomAD compares: Non-Finnish European, 0.008%; no homozygotes.

Submissions (2):

Labcorp Genetics (formerly Invitae), Labcorp
Classification: Likely benign. Last evaluated: 2026-01-13. Review status: criteria provided, single submitter. Criteria: Invitae Variant Classification Sherloc (09022015). Collection method: clinical testing. Allele origin: germline.

PreventionGenetics, part of Exact Sciences
Classification: Likely benign for PFN1-related condition. Last evaluated: 2024-07-21. Review status: no assertion criteria provided. Collection method: clinical testing. Allele origin: germline. Not counted in ClinVar's aggregate classification.
Comment: This variant is classified as likely benign based on ACMG/AMP sequence variant interpretation guidelines (Richards et al. 2015 PMID: 25741868, with internal and published modifications).

NM_005022.4(PFN1):c.327G>A (p.Thr109=)

Gene: PFN1 (profilin 1; minus strand). Cytogenetic location: 17p13.2.
Variant type: single nucleotide variant.
Coding change: c.327G>A on transcript NM_005022.4 (MANE Select); coding-DNA position 327, G replaced by A.
Protein change: p.Thr109=; no amino-acid change (threonine 109 retained).
Molecular consequence: synonymous variant. On other transcripts: 3 prime UTR variant (1).
Genome position (GRCh38, 1-based): chr17:4,945,996, C>T on the plus strand (G>A on the coding strand, the complement: PFN1 is on the minus strand). VCF-style: chr17-4945996-C-T. GRCh37 (hg19) VCF-style: chr17-4849291-C-T.
Other names: c.*411G>A (NM_001375991.1).
Identifiers: ClinVar variation 772741 (VCV000772741.11), dbSNP rs138201218, ClinGen allele CA8315900.